The following is an entry in ClinVar:

NM_017999.5(RNF31):c.1486C>T (p.Arg496Trp)

Gene: RNF31 (ring finger protein 31; plus strand). Cytogenetic location: 14q12.
Variant type: single nucleotide variant.
Coding change: c.1486C>T on transcript NM_017999.5 (MANE Select); coding-DNA position 1486, C replaced by T.
Protein change: p.Arg496Trp; replaces arginine 496 with tryptophan.
Molecular consequence: missense variant.
Genome position (GRCh38, 1-based): chr14:24,150,886, C>T. VCF-style: chr14-24150886-C-T. GRCh37 (hg19) VCF-style: chr14-24620095-C-T.
Other names: c.1033C>T, p.Arg345Trp (NM_001310332.2); short protein forms R496W, R345W.
Identifiers: ClinVar variation 1896542 (VCV001896542.6), dbSNP rs775020343, ClinGen allele CA7125778.

ClinVar aggregate classification (germline): Uncertain significance. Review status: criteria provided, multiple submitters, no conflicts (2 of 4 stars). 2 submissions from 2 submitters: Uncertain significance (2). Last evaluated 2026-01-02.

Allele frequency attached by ClinVar (database versions not stated): ExAC 0.00002; TOPMed 0.00002; gnomAD 0.00009.
gnomAD v4.1: 55 of 1,550,140 alleles (0.0035%); highest among the groups gnomAD compares: African/African-American, 0.0055%; no homozygotes.

Submissions (2):

Labcorp Genetics (formerly Invitae), Labcorp
Classification: Uncertain significance. Last evaluated: 2026-01-02. Review status: criteria provided, single submitter. Criteria: Invitae Variant Classification Sherloc (09022015). Collection method: clinical testing. Allele origin: germline.
Comment: This sequence change replaces arginine, which is basic and polar, with tryptophan, which is neutral and slightly polar, at codon 496 of the RNF31 protein (p.Arg496Trp). This variant is present in population databases (rs775020343, gnomAD 0.07%), and has an allele count higher than expected for a pathogenic variant. This variant has not been reported in the literature in individuals affected with RNF31-related conditions. ClinVar contains an entry for this variant (Variation ID: 1896542). An algorithm developed to predict the effect of missense changes on protein structure and function (PolyPhen-2) suggests that this variant is likely to be disruptive. In summary, the available evidence is currently insufficient to determine the role of this variant in disease. Therefore, it has been classified as a Variant of Uncertain Significance.

Blueprint Genetics
Classification: Uncertain significance. Last evaluated: 2023-03-14. Review status: criteria provided, single submitter. Criteria: ACMG Guidelines, 2015. Collection method: clinical testing. Allele origin: germline.